The following is an entry in ClinVar:

NM_001370259.2(MEN1):c.236C>G (p.Pro79Arg)

Gene: MEN1 (menin 1; minus strand). Cytogenetic location: 11q13.1.
Variant type: single nucleotide variant.
Coding change: c.236C>G on transcript NM_001370259.2 (MANE Select); coding-DNA position 236, C replaced by G.
Protein change: p.Pro79Arg; replaces proline 79 with arginine.
Molecular consequence: missense variant.
Genome position (GRCh38, 1-based): chr11:64,809,874, G>C on the plus strand (C>G on the coding strand, the complement: MEN1 is on the minus strand). VCF-style: chr11-64809874-G-C. GRCh37 (hg19) VCF-style: chr11-64577346-G-C.
Other names: c.236C>G, p.Pro79Arg (NM_000244.4, NM_001370251.2, NM_001370260.2 and 9 more transcripts); short protein forms P79R.
Identifiers: ClinVar variation 527276 (VCV000527276.13), dbSNP rs1555166557, ClinGen allele CA381187585.
Genomic context (GRCh38, chr11:64,809,874, plus strand): 5'-CCTCGGATCTGGGCGGTGAAGCGGGCATAGAGGGCGGCGATGATAGACAGGTCGGCCACG[G>C]GAAAGTAGGTGAGGCCGCCAGGCGGGTCGGGGGCGGGGCTGGGCTGGAAGGTGAGCTCGG-3'
Protein context (NP_001357188.2, residues 69-89): PDPPGGLTYF[Pro79Arg]VADLSIIAAL

ClinVar aggregate classification (germline): Conflicting classifications of pathogenicity. Review status: criteria provided, conflicting classifications (1 of 4 stars). 4 submissions from 4 submitters: Likely pathogenic (1); Uncertain significance (2); Likely benign (1). Last evaluated 2026-01-26.

Conditions:
Multiple endocrine neoplasia, type 1 (MEN1). Also called: MEN I; WERMER SYNDROME; Endocrine adenomatosis multiple; MEN 1; MEA I. Identifiers: Orphanet 652, MedGen C0025267, MeSH D018761, MONDO:0007540, OMIM 131100.
Hereditary cancer-predisposing syndrome. Also called: Neoplastic Syndromes, Hereditary; Tumor predisposition; Hereditary neoplastic syndrome; Hereditary Cancer Syndrome. Identifiers: Orphanet 140162, MedGen C0027672, MeSH D009386, MONDO:0015356.

Allele frequency attached by ClinVar (database versions not stated): gnomAD exomes 0.00001.
gnomAD v4.1: 3 of 1,606,076 alleles (0.00019%); highest among the groups gnomAD compares: South Asian, 0.0033%; no homozygotes.

Submissions (4):

Labcorp Genetics (formerly Invitae), Labcorp
Classification: Likely benign for Multiple endocrine neoplasia, type 1. Last evaluated: 2026-01-26. Review status: criteria provided, single submitter. Criteria: Invitae Variant Classification Sherloc (09022015). Collection method: clinical testing. Allele origin: germline.

Ambry Genetics
Classification: Likely pathogenic for Hereditary cancer-predisposing syndrome. Last evaluated: 2025-10-01. Review status: criteria provided, single submitter. Criteria: Ambry Variant Classification Scheme 2023. Collection method: clinical testing. Allele origin: germline.
Comment: The p.P79R variant (also known as c.236C>G), located in coding exon 1 of the MEN1 gene, results from a C to G substitution at nucleotide position 236. The proline at codon 79 is replaced by arginine, an amino acid with dissimilar properties. This variant was reported in individual(s) with features consistent with multiple endocrine neoplasia type 1 (Ambry internal data). This amino acid position is highly conserved in available vertebrate species. In addition, this alteration is predicted to be deleterious by in silico analysis. Based on the majority of available evidence to date, this variant is likely to be pathogenic.

GeneDx
Classification: Uncertain significance. Last evaluated: 2023-08-08. Review status: criteria provided, single submitter. Criteria: GeneDx Variant Classification Process June 2021. Collection method: clinical testing. Allele origin: germline. Affected: yes.
Comment: Not observed at significant frequency in large population cohorts (gnomAD); In silico analysis supports that this missense variant has a deleterious effect on protein structure/function; Identified in an individual with breast cancer (Guindalini et al., 2022); This variant is associated with the following publications: (PMID: 35264596)

Mendelics
Classification: Uncertain significance for Multiple endocrine neoplasia, type 1. Last evaluated: 2018-07-02. Review status: criteria provided, single submitter. Criteria: Mendelics Assertion Criteria 2017. Collection method: clinical testing. Allele origin: unknown.